The following is an entry in ClinVar:

NM_001080510.5(METTL23):c.20C>T (p.Ala7Val)

Gene: METTL23 (methyltransferase 23, arginine; plus strand). Cytogenetic location: 17q25.1.
Variant type: single nucleotide variant.
Coding change: c.20C>T on transcript NM_001080510.5 (MANE Select); coding-DNA position 20, C replaced by T.
Protein change: p.Ala7Val; replaces alanine 7 with valine.
Molecular consequence: missense variant. On other transcripts: synonymous variant (5), intron variant (5).
Genome position (GRCh38, 1-based): chr17:76,729,730, C>T. VCF-style: chr17-76729730-C-T. GRCh37 (hg19) VCF-style: chr17-74725812-C-T.
Other names: c.20C>T, p.Ala7Val (NM_001206983.3, NM_001206984.3, NM_001302703.2 and 2 more transcripts); c.25C>T, p.Leu9= (NM_001302705.2, NM_001378350.1, NM_001378351.1 and 2 more transcripts); c.-118+2373C>T (NM_001206987.3); c.-118+2517C>T (NM_001206986.3); c.-118+2552C>T (NM_001206985.3, NM_001302704.2); c.-118+2851C>T (NM_001378354.1); short protein forms A7V.
Identifiers: ClinVar variation 520872 (VCV000520872.12), dbSNP rs201999820, ClinGen allele CA8790046.

ClinVar aggregate classification (germline): Uncertain significance. Review status: criteria provided, multiple submitters, no conflicts (2 of 4 stars). 4 submissions from 4 submitters: Uncertain significance (4). Last evaluated 2025-11-14.

Conditions:
Intellectual developmental disorder, autosomal recessive 44. Also called: Intellectual disability, autosomal recessive 44. Identifiers: Orphanet 88616, MedGen C4014745, MONDO:0014409, OMIM 615942.
Inborn genetic diseases. Identifiers: MedGen C0950123, MeSH D030342.

Allele frequency attached by ClinVar (database versions not stated): gnomAD 0.00011 and 0.00009; TOPMed 0.00013; gnomAD exomes 0.00011 and 0.00034; ExAC 0.00027; ESP Exome Variant Server 0.00041.
gnomAD v4.1: 494 of 1,598,740 alleles (0.031%); highest among the groups gnomAD compares: Non-Finnish European, 0.041%; no homozygotes.

Submissions (4):

GeneDx
Classification: Uncertain significance. Last evaluated: 2025-11-14. Review status: criteria provided, single submitter. Criteria: GeneDx Variant Classification Process June 2021. Collection method: clinical testing. Allele origin: germline. Affected: yes.
Comment: In silico analysis supports that this missense variant has a deleterious effect on protein structure/function; Has not been previously published as pathogenic or benign in association with METTL23-related neurodevelopmental disorder to our knowledge, but has been reported in the heterozygous state in two siblings with normal-tension glaucoma (PMID: 39325437); This variant is associated with the following publications: (PMID: 39325437)

Revvity Omics, Revvity
Classification: Uncertain significance for Intellectual developmental disorder, autosomal recessive 44. Last evaluated: 2021-04-27. Review status: criteria provided, single submitter. Criteria: ACMG Guidelines, 2015. Collection method: clinical testing. Allele origin: germline.

Baylor Genetics
Classification: Uncertain significance for Intellectual developmental disorder, autosomal recessive 44. Last evaluated: 2018-07-31. Review status: criteria provided, single submitter. Criteria: ACMG Guidelines, 2015. Collection method: clinical testing. Allele origin: unknown. Affected: yes.
Comment: This variant was determined to be of uncertain significance according to ACMG Guidelines, 2015 [PMID:25741868].

Ambry Genetics
Classification: Uncertain significance for Inborn genetic diseases. Last evaluated: 2015-10-25. Review status: criteria provided, single submitter. Criteria: Ambry exome assertion method (8-5-2015). Collection method: clinical testing. Allele origin: germline. Affected: yes. Observed: 1 variant allele.